The following is an entry in ClinVar:

ClinVar aggregate classification (germline): Uncertain significance (1 of 4 stars; one submission).

Conditions:
Hereditary cancer-predisposing syndrome. Also called: Tumor predisposition; Hereditary Cancer Syndrome; Hereditary neoplastic syndrome; Neoplastic Syndromes, Hereditary. Identifiers: Orphanet 140162, MedGen C0027672, MeSH D009386, MONDO:0015356.

Submission:

Ambry Genetics
Classification: Uncertain significance for Hereditary cancer-predisposing syndrome. Last evaluated: 2024-04-28. Review status: criteria provided, single submitter. Criteria: Ambry Variant Classification Scheme 2023. Collection method: clinical testing. Allele origin: germline.
Comment: The p.P299L variant (also known as c.896C>T), located in coding exon 7 of the POLD1 gene, results from a C to T substitution at nucleotide position 896. The proline at codon 299 is replaced by leucine, an amino acid with similar properties. This amino acid position is conserved. In addition, this alteration is predicted to be tolerated by in silico analysis. Based on the available evidence, the clinical significance of this variant remains unclear.

NM_002691.4(POLD1):c.896C>T (p.Pro299Leu)

Gene: POLD1 (DNA polymerase delta 1, catalytic subunit; plus strand). Cytogenetic location: 19q13.33.
Variant type: single nucleotide variant.
Coding change: c.896C>T on transcript NM_002691.4 (MANE Select); coding-DNA position 896, C replaced by T.
Protein change: p.Pro299Leu; replaces proline 299 with leucine.
Molecular consequence: missense variant. On other transcripts: non-coding transcript variant (1).
Genome position (GRCh38, 1-based): chr19:50,402,667, C>T. VCF-style: chr19-50402667-C-T. GRCh37 (hg19) VCF-style: chr19-50905924-C-T.
Other names: c.896C>T, p.Pro299Leu (NM_001256849.1, NM_001308632.1); short protein forms P299L.
Identifiers: ClinVar variation 3308288 (VCV003308288.1).